The following is an entry in ClinVar:

ClinVar aggregate classification (germline): Uncertain significance (1 of 4 stars; one submission).

Conditions:
Nail-patella-like renal disease. Also called: GLOMERULAR BASEMENT MEMBRANE DISEASE, NAIL-PATELLA SYNDROME TYPE; Focal Segmental Glomerulosclerosis 10. Identifiers: Orphanet 2613, MedGen C0403548, MONDO:0009724, OMIM 256020.

Submission:

MVZ Medizinische Genetik Mainz
Classification: Uncertain significance for Nail-patella-like renal disease. Last evaluated: 2026-06-18. Review status: criteria provided, single submitter. Criteria: UK Practice Guidelines For Variant Classification V4 01 2020. Collection method: clinical testing. Allele origin: germline. Inheritance: Autosomal dominant inheritance. Affected: yes. Observed: 1 variant allele.
Comment: ACMG Criteria: PM1,PM2_SUP,PP3

NM_001174147.2(LMX1B):c.698C>T (p.Ala233Val)

Gene: LMX1B (LIM homeobox transcription factor 1 beta; plus strand). Cytogenetic location: 9q33.3.
Variant type: single nucleotide variant.
Coding change: c.698C>T on transcript NM_001174147.2 (MANE Select); coding-DNA position 698, C replaced by T.
Protein change: p.Ala233Val; replaces alanine 233 with valine.
Molecular consequence: missense variant.
Genome position (GRCh38, 1-based): chr9:126,693,280, C>T. VCF-style: chr9-126693280-C-T. GRCh37 (hg19) VCF-style: chr9-129455559-C-T.
Other names: c.698C>T, p.Ala233Val (NM_001174146.2, NM_002316.4); short protein forms A233V.
Identifiers: ClinVar variation 4879840 (VCV004879840.1).